The following is an entry in ClinVar:

NC_000014.8:g.(50745273_50750588)_(50750752_50760832)del

Gene: L2HGDH (L-2-hydroxyglutarate dehydrogenase; minus strand). Cytogenetic location: 14q21.3.
Variant type: Deletion.
Identifiers: ClinVar variation 4849083 (VCV004849083.1).

ClinVar aggregate classification (germline): Pathogenic (1 of 4 stars; one submission).

Conditions:
L-2-hydroxyglutaric aciduria (L2HGA). Identifiers: Orphanet 79314, MedGen C1855995, MONDO:0009370, OMIM 236792, HP:0040144.

Submission:

Women's Health and Genetics/Laboratory Corporation of America, LabCorp
Classification: Pathogenic for L-2-hydroxyglutaric aciduria. Last evaluated: 2026-04-27. Review status: criteria provided, single submitter. Criteria: LabCorp Variant Classification Summary - May 2015. Collection method: clinical testing. Allele origin: germline.
Comment: Variant summary: The variant involves the deletion of exon 5 in the L2HGDH gene. A presumed nomenclature of c.(540+1_541-1)_(703+1_704-1)del has been designated for the purposes of this classification. This Copy Number Variant (CNV) is expected to alter the reading frame and predicted to result in a truncation or absence of the encoded protein due to nonsense mediated decay (NMD). Loss-of-function variants in this gene are known to be pathogenic. The variant was absent in 21694 control chromosomes. c.(540+1_541-1)_(703+1_704-1)del has been observed in individual(s) affected with L-2 Aciduria (e.g. Steenweg_2010). To our knowledge, no experimental evidence demonstrating an impact on protein function has been reported. The following publication has been ascertained in the context of this evaluation (PMID: 20052767). ClinVar contains an entry for this variant (Variation ID: 2426898). Based on the evidence outlined above, the variant was classified as pathogenic.

Literature cited by the submitters: PubMed 20052767.